The following is an entry in ClinVar:

NM_005154.5(USP8):c.1531G>C (p.Glu511Gln)

Gene: USP8 (ubiquitin specific peptidase 8; plus strand). Cytogenetic location: 15q21.2.
Variant type: single nucleotide variant.
Coding change: c.1531G>C on transcript NM_005154.5 (MANE Select); coding-DNA position 1531, G replaced by C.
Protein change: p.Glu511Gln; replaces glutamic acid 511 with glutamine.
Molecular consequence: missense variant.
Genome position (GRCh38, 1-based): chr15:50,481,793, G>C. VCF-style: chr15-50481793-G-C. GRCh37 (hg19) VCF-style: chr15-50773990-G-C.
Other names: c.1531G>C, p.Glu511Gln (NM_001128610.3); c.1300G>C, p.Glu434Gln (NM_001283049.2); short protein forms E434Q, E511Q.
Identifiers: ClinVar variation 652116 (VCV000652116.8), dbSNP rs778969876, ClinGen allele CA392393303.

ClinVar aggregate classification (germline): Uncertain significance (1 of 4 stars; one submission).

Conditions:
Hereditary spastic paraplegia. Also called: Familial spastic paraparesis. Identifiers: Orphanet 685, MedGen C0037773, MONDO:0019064. Disease mechanism: loss of function.

Submission:

Labcorp Genetics (formerly Invitae), Labcorp
Classification: Uncertain significance for Hereditary spastic paraplegia. Last evaluated: 2018-12-25. Review status: criteria provided, single submitter. Criteria: Invitae Variant Classification Sherloc (09022015). Collection method: clinical testing. Allele origin: germline.
Comment: In summary, the available evidence is currently insufficient to determine the role of this variant in disease. Therefore, it has been classified as a Variant of Uncertain Significance. Algorithms developed to predict the effect of missense changes on protein structure and function are either unavailable or do not agree on the potential impact of this missense change (SIFT: "Tolerated"; PolyPhen-2: "Probably Damaging"; Align-GVGD: "Class C0"). This variant has not been reported in the literature in individuals with USP8-related conditions. This variant is not present in population databases (ExAC no frequency). This sequence change replaces glutamic acid with glutamine at codon 511 of the USP8 protein (p.Glu511Gln). The glutamic acid residue is highly conserved and there is a small physicochemical difference between glutamic acid and glutamine.